The following is an entry in ClinVar:

NM_000037.4(ANK1):c.4892C>T (p.Thr1631Ile)

Gene: ANK1 (ankyrin 1; minus strand). Cytogenetic location: 8p11.21.
Variant type: single nucleotide variant.
Coding change: c.4892C>T on transcript NM_000037.4 (MANE Select); coding-DNA position 4892, C replaced by T.
Protein change: p.Thr1631Ile; replaces threonine 1631 with isoleucine.
Molecular consequence: missense variant. On other transcripts: intron variant (1).
Genome position (GRCh38, 1-based): chr8:41,672,558, G>A on the plus strand (C>T on the coding strand, the complement: ANK1 is on the minus strand). VCF-style: chr8-41672558-G-A. GRCh37 (hg19) VCF-style: chr8-41530076-G-A.
Other names: c.5015C>T, p.Thr1672Ile (NM_001142446.2); c.4892C>T, p.Thr1631Ile (NM_020475.3, NM_020476.3); c.4538-132C>T (NM_020477.3); short protein forms T1631I, T1672I.
Identifiers: ClinVar variation 4710649 (VCV004710649.1).

ClinVar aggregate classification (germline): Uncertain significance (1 of 4 stars; one submission).

gnomAD v4.1: 1 of 1,614,214 alleles (0.000062%); highest among the groups gnomAD compares: Non-Finnish European, 0.000085%; no homozygotes.

Submission:

Labcorp Genetics (formerly Invitae), Labcorp
Classification: Uncertain significance. Last evaluated: 2025-06-25. Review status: criteria provided, single submitter. Criteria: Invitae Variant Classification Sherloc (09022015). Collection method: clinical testing. Allele origin: germline.
Comment: This sequence change replaces threonine, which is neutral and polar, with isoleucine, which is neutral and non-polar, at codon 1631 of the ANK1 protein (p.Thr1631Ile). This variant is not present in population databases (gnomAD no frequency). This variant has not been reported in the literature in individuals affected with ANK1-related conditions. An algorithm developed to predict the effect of missense changes on protein structure and function outputs the following: PolyPhen-2: "Benign". The isoleucine amino acid residue is found in multiple mammalian species, which suggests that this missense change does not adversely affect protein function. In summary, the available evidence is currently insufficient to determine the role of this variant in disease. Therefore, it has been classified as a Variant of Uncertain Significance.